The following is an entry in ClinVar:

ClinVar aggregate classification (germline): Uncertain significance (1 of 4 stars; one submission).

Conditions:
Hereditary cancer-predisposing syndrome. Also called: Hereditary Cancer Syndrome; Neoplastic Syndromes, Hereditary; Tumor predisposition; Hereditary neoplastic syndrome. Identifiers: Orphanet 140162, MedGen C0027672, MeSH D009386, MONDO:0015356.

Submission:

Color Diagnostics, LLC DBA Color Health
Classification: Uncertain significance for Hereditary cancer-predisposing syndrome. Last evaluated: 2023-12-05. Review status: criteria provided, single submitter. Criteria: ACMG Guidelines, 2015. Collection method: clinical testing. Allele origin: germline.
Comment: This missense variant replaces histidine with aspartic acid at codon 600 of the ATM protein. Computational prediction suggests that this variant may not impact protein structure and function (internally defined REVEL score threshold <= 0.5, PMID: 27666373). To our knowledge, functional studies have not been reported for this variant. This variant has not been reported in individuals affected with ATM-related disorders in the literature. This variant has not been identified in the general population by the Genome Aggregation Database (gnomAD). The available evidence is insufficient to determine the role of this variant in disease conclusively. Therefore, this variant is classified as a Variant of Uncertain Significance.

NM_000051.4(ATM):c.1798C>G (p.His600Asp)

Gene: ATM (ATM serine/threonine kinase; plus strand). Cytogenetic location: 11q22.3.
Variant type: single nucleotide variant.
Coding change: c.1798C>G on transcript NM_000051.4 (MANE Select); coding-DNA position 1798, C replaced by G.
Protein change: p.His600Asp; replaces histidine 600 with aspartic acid.
Molecular consequence: missense variant.
Genome position (GRCh38, 1-based): chr11:108,252,027, C>G. VCF-style: chr11-108252027-C-G. GRCh37 (hg19) VCF-style: chr11-108122754-C-G.
Other names: c.1798C>G, p.His600Asp (NM_001351834.2); short protein forms H600D.
Identifiers: ClinVar variation 489516 (VCV000489516.6), dbSNP rs1555072089, ClinGen allele CA382535579.